The following is an entry in ClinVar:

NM_001283009.2(RTEL1):c.3891A>G (p.Pro1297=)

Genes: RTEL1 (regulator of telomere elongation helicase 1; plus strand), RTEL1-TNFRSF6B (RTEL1-TNFRSF6B readthrough (NMD candidate); plus strand). Cytogenetic location: 20q13.33.
Variant type: single nucleotide variant.
Coding change: c.3891A>G on transcript NM_001283009.2 (MANE Select); coding-DNA position 3891, A replaced by G.
Protein change: p.Pro1297=; no amino-acid change (proline 1297 retained).
Molecular consequence: synonymous variant. On other transcripts: non-coding transcript variant (1), 3 prime UTR variant (3).
Genome position (GRCh38, 1-based): chr20:63,695,846, A>G. VCF-style: chr20-63695846-A-G. GRCh37 (hg19) VCF-style: chr20-62327199-A-G.
Other names: c.*61A>G (NM_001283010.1, NM_016434.4, NM_032957.5).
Identifiers: ClinVar variation 1170799 (VCV001170799.17), dbSNP rs1056990, ClinGen allele CA9966239.

ClinVar aggregate classification (germline): Benign/Likely benign. Review status: criteria provided, multiple submitters, no conflicts (2 of 4 stars). 6 submissions from 6 submitters: Benign (5); Likely benign (1). Last evaluated 2026-02-04.

Conditions:
Pulmonary fibrosis and/or bone marrow failure, Telomere-related, 3. Also called: PULMONARY FIBROSIS AND/OR BONE MARROW FAILURE SYNDROME, TELOMERE-RELATED, 3. Identifiers: Orphanet 2032, MedGen C4225346, MONDO:0014613, OMIM 616373.
Dyskeratosis congenita, autosomal recessive 5 (DKCB5). Identifiers: MedGen C3554656, MONDO:0014076, OMIM 615190.

Allele frequency attached by ClinVar (database versions not stated): 1000 Genomes Project 0.02736; 1000 Genomes Project 30x 0.02826; TOPMed 0.05603; gnomAD 0.05862 and 0.06020; gnomAD exomes 0.05917 and 0.08341; ESP Exome Variant Server 0.06871; ExAC 0.09233.
gnomAD v4.1: 128,464 of 1,591,698 alleles (8.1%); highest among the groups gnomAD compares: Non-Finnish European, 9.5%; 5,860 homozygotes.

Submissions (6):

Labcorp Genetics (formerly Invitae), Labcorp
Classification: Benign for Dyskeratosis congenita, autosomal recessive 5; Pulmonary fibrosis and/or bone marrow failure, Telomere-related, 3. Last evaluated: 2026-02-04. Review status: criteria provided, single submitter. Criteria: Invitae Variant Classification Sherloc (09022015). Collection method: clinical testing. Allele origin: germline.

ARUP Laboratories, Molecular Genetics and Genomics, ARUP Laboratories
Classification: Benign. Last evaluated: 2025-07-14. Review status: criteria provided, single submitter. Criteria: ARUP Molecular Germline Variant Investigation Process 2024. Collection method: clinical testing. Allele origin: germline.

Mayo Clinic Laboratories, Mayo Clinic
Classification: Benign. Last evaluated: 2025-07-12. Review status: criteria provided, single submitter. Criteria: ACMG Guidelines, 2015. Collection method: clinical testing. Allele origin: germline. Observed: 34 variant alleles.

Blueprint Genetics
Classification: Likely benign. Last evaluated: 2024-11-28. Review status: criteria provided, single submitter. Criteria: ACMG Guidelines, 2015. Collection method: clinical testing. Allele origin: germline.

GeneDx
Classification: Benign. Last evaluated: 2019-02-11. Review status: criteria provided, single submitter. Criteria: GeneDx Variant Classification Process June 2021. Collection method: clinical testing. Allele origin: germline. Affected: yes.

Breakthrough Genomics
Classification: Benign. Review status: criteria provided, single submitter. Criteria: ACMG Guidelines, 2015. Collection method: not provided. Allele origin: germline. Inheritance: Autosomal recessive inheritance. Affected: yes.